The following is an entry in ClinVar:

NM_006892.4(DNMT3B):c.352A>G (p.Arg118Gly)

Gene: DNMT3B (DNA methyltransferase 3 beta; plus strand). Cytogenetic location: 20q11.21.
Variant type: single nucleotide variant.
Coding change: c.352A>G on transcript NM_006892.4 (MANE Select); coding-DNA position 352, A replaced by G.
Protein change: p.Arg118Gly; replaces arginine 118 with glycine.
Molecular consequence: missense variant. On other transcripts: intron variant (2).
Genome position (GRCh38, 1-based): chr20:32,786,547, A>G. VCF-style: chr20-32786547-A-G. GRCh37 (hg19) VCF-style: chr20-31374353-A-G.
Other names: c.352A>G, p.Arg118Gly (NM_175848.2, NM_175849.2); c.388A>G, p.Arg130Gly (NM_175850.3); c.307-683A>G (NM_001207055.2); c.205-683A>G (NM_001207056.2); short protein forms R130G, R118G.
Identifiers: ClinVar variation 941673 (VCV000941673.7), dbSNP rs773011198, ClinGen allele CA9810160.
Genomic context (GRCh38, chr20:32,786,547, plus strand): 5'-CTCTCTTGCTTCTAGGTCCGAACTCGAAATAACAACAGTGTCTCCAGCCGGGAGAGGCAC[A>G]GGCCTTCCCCACGTTCCACCCGAGGCCGGCAGGGCCGCAACCATGTGGACGAGTCCCCCG-3'
Protein context (NP_008823.1, residues 108-128): NNSVSSRERH[Arg118Gly]PSPRSTRGRQ

ClinVar aggregate classification (germline): Uncertain significance (1 of 4 stars; one submission).

Conditions:
Centromeric instability of chromosomes 1,9 and 16 and immunodeficiency (ICF1). Also called: CENTROMERIC INSTABILITY, IMMUNODEFICIENCY SYNDROME; IMMUNE DEFICIENCY, VARIABLE, WITH CENTROMERIC INSTABILITY OF CHROMOSOMES 1, 9, AND 16; IMMUNODEFICIENCY SYNDROME, VARIABLE; Immunodeficiency-centromeric instability-facial anomalies. Identifiers: Orphanet 2268, MedGen C0398788, MONDO:0000133.

Allele frequency attached by ClinVar (database versions not stated): gnomAD exomes below 0.00001; ExAC 0.00001; gnomAD 0.00001; TOPMed 0.00001.
gnomAD v4.1: 3 of 1,613,882 alleles (0.00019%); highest among the groups gnomAD compares: Admixed American, 0.0033%; no homozygotes.

Submission:

Labcorp Genetics (formerly Invitae), Labcorp
Classification: Uncertain significance for Centromeric instability of chromosomes 1,9 and 16 and immunodeficiency. Last evaluated: 2019-10-09. Review status: criteria provided, single submitter. Criteria: Invitae Variant Classification Sherloc (09022015). Collection method: clinical testing. Allele origin: germline.
Comment: In summary, the available evidence is currently insufficient to determine the role of this variant in disease. Therefore, it has been classified as a Variant of Uncertain Significance. Algorithms developed to predict the effect of missense changes on protein structure and function (SIFT, PolyPhen-2, Align-GVGD) all suggest that this variant is likely to be disruptive, but these predictions have not been confirmed by published functional studies and their clinical significance is uncertain. This variant has not been reported in the literature in individuals with DNMT3B-related conditions. This variant is present in population databases (rs773011198, ExAC 0.009%). This sequence change replaces arginine with glycine at codon 118 of the DNMT3B protein (p.Arg118Gly). The arginine residue is highly conserved and there is a moderate physicochemical difference between arginine and glycine.